The following is an entry in ClinVar:

NM_170707.4(LMNA):c.1698+25C>T

Gene: LMNA (lamin A/C; plus strand). Cytogenetic location: 1q22.
Variant type: single nucleotide variant.
Coding change: c.1698+25C>T on transcript NM_170707.4 (MANE Select); 25 bases into the intron after coding-DNA position 1698, C replaced by T.
Molecular consequence: intron variant. On other transcripts: 3 prime UTR variant (3).
Genome position (GRCh38, 1-based): chr1:156,137,768, C>T. VCF-style: chr1-156137768-C-T. GRCh37 (hg19) VCF-style: chr1-156107559-C-T.
Other names: c.*4C>T (NM_001282624.2, NM_001282625.2, NM_005572.4); c.1698+25C>T (NM_001282626.2); c.1608+536C>T (NM_170708.4); c.1362+25C>T (NM_001257374.3).
Identifiers: ClinVar variation 177998 (VCV000177998.11), dbSNP rs727504435, ClinGen allele CA018172.

ClinVar aggregate classification (germline): Likely benign. Review status: criteria provided, multiple submitters, no conflicts (2 of 4 stars). 5 submissions from 5 submitters: Likely benign (4). 1 of the submissions does not count toward it. Last evaluated 2018-11-16.

Conditions:
Cardiomyopathy (CMYO). Also called: Cardiomyopathies. Identifiers: Orphanet 167848, MedGen C0878544, MONDO:0004994, HP:0001638. Inheritance: Various modes of inheritance.

Allele frequency attached by ClinVar (database versions not stated): gnomAD 0.00004 and 0.00005; TOPMed 0.00005.
gnomAD v4.1: 13 of 1,547,060 alleles (0.00084%); highest among the groups gnomAD compares: African/African-American, 0.0096%; no homozygotes.

Submissions (5):

Color Diagnostics, LLC DBA Color Health
Classification: Likely benign for Cardiomyopathy. Last evaluated: 2018-11-16. Review status: criteria provided, single submitter. Criteria: ACMG Guidelines, 2015. Collection method: clinical testing. Allele origin: germline.

GeneDx
Classification: Likely benign. Last evaluated: 2017-03-21. Review status: criteria provided, single submitter. Criteria: GeneDx Variant Classification (06012015). Collection method: clinical testing. Allele origin: germline. Affected: yes.
Comment: This variant is considered likely benign or benign based on one or more of the following criteria: it is a conservative change, it occurs at a poorly conserved position in the protein, it is predicted to be benign by multiple in silico algorithms, and/or has population frequency not consistent with disease.

Eurofins Ntd Llc (ga)
Classification: Likely benign. Last evaluated: 2015-09-23. Review status: criteria provided, single submitter. Criteria: EGL Classification Definitions 2015. Collection method: clinical testing. Allele origin: germline. Observed: 2 variant alleles, 2 heterozygotes.

Breakthrough Genomics
Classification: Likely benign. Review status: criteria provided, single submitter. Criteria: ACMG Guidelines, 2015. Collection method: not provided. Allele origin: germline. Inheritance: Autosomal recessive inheritance. Affected: yes.

Laboratory for Molecular Medicine, Mass General Brigham Personalized Medicine
No classification provided. Last evaluated: 2012-04-19. Review status: no classification provided. Collection method: clinical testing. Allele origin: germline. Observed: 1 variant allele. Not counted in ClinVar's aggregate classification.